The following is an entry in ClinVar:

NM_001377229.1(DISP1):c.2456C>A (p.Ala819Asp)

Gene: DISP1 (dispatched RND transporter family member 1; plus strand). Cytogenetic location: 1q41.
Variant type: single nucleotide variant.
Coding change: c.2456C>A on transcript NM_001377229.1 (MANE Select); coding-DNA position 2456, C replaced by A.
Protein change: p.Ala819Asp; replaces alanine 819 with aspartic acid.
Molecular consequence: missense variant.
Genome position (GRCh38, 1-based): chr1:223,003,853, C>A. VCF-style: chr1-223003853-C-A. GRCh37 (hg19) VCF-style: chr1-223177195-C-A.
Other names: c.1727C>A, p.Ala576Asp (NM_001350630.2); c.2456C>A, p.Ala819Asp (NM_001369594.1, NM_001377228.1, NM_032890.5); short protein forms A819D, A576D.
Identifiers: ClinVar variation 420635 (VCV000420635.2), dbSNP rs1064794602, ClinGen allele CA16617073.
Genomic context (GRCh38, chr1:223,003,853, plus strand): 5'-GCAACCCACTAAATCCCAAGAGTAAAGGGAAGTTGACATTAGATAGCAGTTTTAACATCG[C>A]CAGCCCAGCTTCCCAGGCCTGGATTTTGCACTTCTGTCAAAAACTGAGAAACCAAACATT-3'
Protein context (NP_001364158.1, residues 809-829): KLTLDSSFNI[Ala819Asp]SPASQAWILH

ClinVar aggregate classification (germline): Uncertain significance (1 of 4 stars; one submission).

Allele frequency attached by ClinVar (database versions not stated): gnomAD exomes below 0.00001.
gnomAD v4.1: 1 of 1,614,162 alleles (0.000062%); highest among the groups gnomAD compares: Non-Finnish European, 0.000085%; no homozygotes.

Submission:

GeneDx
Classification: Uncertain significance. Last evaluated: 2016-03-09. Review status: criteria provided, single submitter. Criteria: GeneDx Variant Classification (06012015). Collection method: clinical testing. Allele origin: germline. Affected: yes.
Comment: The A819D variant in the DISP1 gene has not been reported previously as a pathogenic variant, nor as a benign variant, to our knowledge. The A819D variant was not observed in approximately 6,500 individuals of European and African American ancestry in the NHLBI Exome Sequencing Project, indicating it is not a common benign variant in these populations. The A819D variant is a non-conservative amino acid substitution, which is likely to impact secondary protein structure as these residues differ in polarity, charge, size and/or other properties. This substitution occurs at a position that is conserved in mammals. In silico analysis is inconsistent in its predictions as to whether or not the variant is damaging to the protein structure/function. We interpret A819D as a variant of uncertain significance.